The following is an entry in ClinVar:

NM_000051.4(ATM):c.401G>A (p.Gly134Asp)

Gene: ATM (ATM serine/threonine kinase; plus strand). Cytogenetic location: 11q22.3.
Variant type: single nucleotide variant.
Coding change: c.401G>A on transcript NM_000051.4 (MANE Select); coding-DNA position 401, G replaced by A.
Protein change: p.Gly134Asp; replaces glycine 134 with aspartic acid.
Molecular consequence: missense variant.
Genome position (GRCh38, 1-based): chr11:108,235,739, G>A. VCF-style: chr11-108235739-G-A. GRCh37 (hg19) VCF-style: chr11-108106466-G-A.
Other names: p.Gly134Asp; c.401G>A, p.Gly134Asp (NM_001351834.2); short protein forms G134D.
Identifiers: ClinVar variation 186081 (VCV000186081.29), dbSNP rs771166271, ClinGen allele CA193810.
Genomic context (GRCh38, chr11:108,235,739, plus strand): 5'-GGCTAAAATGTCAAGAACTCTTAAATTATATCATGGATACAGTGAAAGATTCATCTAATG[G>A]TGCTATTTACGGAGCTGATTGTAGCAACATACTACTCAAAGACATTCTTTCTGTGAGAAA-3'
Protein context (NP_000042.3, residues 124-144): IMDTVKDSSN[Gly134Asp]AIYGADCSNI

ClinVar aggregate classification (germline): Uncertain significance. Review status: criteria provided, multiple submitters, no conflicts (2 of 4 stars). 9 submissions from 9 submitters: Uncertain significance (8). 1 of the submissions does not count toward it. Last evaluated 2026-01-04.

Conditions:
ATM-related disorder. Also called: ATM-related disorders; ATM-related condition.
Hereditary cancer-predisposing syndrome. Also called: Neoplastic Syndromes, Hereditary; Tumor predisposition; Hereditary neoplastic syndrome; Hereditary Cancer Syndrome. Identifiers: Orphanet 140162, MedGen C0027672, MeSH D009386, MONDO:0015356.
Familial cancer of breast. Also called: Hereditary breast cancer; BREAST CANCER, FAMILIAL; hereditary breast carcinoma. Identifiers: Orphanet 227535, MedGen C0346153, MONDO:0016419, OMIM 114480. Disease mechanism: loss of function.
Ataxia-telangiectasia syndrome (AT). Also called: Cerebello-oculocutaneous telangiectasia; Immunodeficiency with ataxia telangiectasia; AT, COMPLEMENTATION GROUP C; LOUIS-BAR SYNDROME; Ataxia-telangiectasia, complementation group E; ATAXIA-TELANGIECTASIA, COMPLEMENTATION GROUP A. Identifiers: Orphanet 100, MedGen C0004135, MONDO:0008840, OMIM 208900.

Allele frequency attached by ClinVar (database versions not stated): gnomAD 0.00001; gnomAD exomes 0.00001; TOPMed 0.00001.
gnomAD v4.1: 32 of 1,612,246 alleles (0.002%); highest among the groups gnomAD compares: African/African-American, 0.0027%; no homozygotes.

Submissions (9):

Labcorp Genetics (formerly Invitae), Labcorp
Classification: Uncertain significance for Ataxia-telangiectasia syndrome. Last evaluated: 2026-01-04. Review status: criteria provided, single submitter. Criteria: Invitae Variant Classification Sherloc (09022015). Collection method: clinical testing. Allele origin: germline.
Comment: This sequence change replaces glycine, which is neutral and non-polar, with aspartic acid, which is acidic and polar, at codon 134 of the ATM protein (p.Gly134Asp). This variant is present in population databases (rs771166271, gnomAD 0.007%). This variant has not been reported in the literature in individuals affected with ATM-related conditions. ClinVar contains an entry for this variant (Variation ID: 186081). Invitae Evidence Modeling of protein sequence and biophysical properties (such as structural, functional, and spatial information, amino acid conservation, physicochemical variation, residue mobility, and thermodynamic stability) indicates that this missense variant is not expected to disrupt ATM protein function with a negative predictive value of 95%. In summary, the available evidence is currently insufficient to determine the role of this variant in disease. Therefore, it has been classified as a Variant of Uncertain Significance.

Quest Diagnostics Nichols Institute San Juan Capistrano
Classification: Uncertain significance. Last evaluated: 2025-07-10. Review status: criteria provided, single submitter. Criteria: Quest Diagnostics criteria. Collection method: clinical testing. Allele origin: unknown.

PreventionGenetics, part of Exact Sciences
Classification: Uncertain significance for ATM-related condition. Last evaluated: 2025-03-18. Review status: criteria provided, single submitter. Criteria: ACMG Guidelines, 2015. Collection method: clinical testing. Allele origin: germline.
Comment: The ATM c.401G>A variant is predicted to result in the amino acid substitution p.Gly134Asp. This variant has been reported in a breast cancer cohort study (Table S5, Decker et al. 2017. PubMed ID: 28779002). This variant is reported in reported in 0.062% of alleles in individuals of African descent in gnomAD and is interpreted as uncertain in ClinVar. At this time, the clinical significance of this variant is uncertain due to the absence of conclusive functional and genetic evidence.

Mayo Clinic Laboratories, Mayo Clinic
Classification: Uncertain significance. Last evaluated: 2025-01-22. Review status: criteria provided, single submitter. Criteria: ACMG Guidelines, 2015. Collection method: clinical testing. Allele origin: germline. Observed: 1 variant allele.
Comment: BP4

Ambry Genetics
Classification: Uncertain significance for Hereditary cancer-predisposing syndrome. Last evaluated: 2024-09-09. Review status: criteria provided, single submitter. Criteria: Ambry Variant Classification Scheme 2023. Collection method: clinical testing. Allele origin: germline.
Comment: The p.G134D variant (also known as c.401G>A), located in coding exon 4 of the ATM gene, results from a G to A substitution at nucleotide position 401. The glycine at codon 134 is replaced by aspartic acid, an amino acid with similar properties. This alteration has been reported in at least one subject in a study of 13087 breast cancer cases and 5488 control individuals in the UK (Decker B et al. J. Med. Genet., 2017 11;54:732-741). This amino acid position is not well conserved in available vertebrate species. In addition, this alteration is predicted to be tolerated by in silico analysis. Based on the available evidence, the clinical significance of this variant remains unclear.

Baylor Genetics
Classification: Uncertain significance for Familial cancer of breast. Last evaluated: 2023-10-14. Review status: criteria provided, single submitter. Criteria: ACMG Guidelines, 2015. Collection method: clinical testing. Allele origin: unknown.

GeneDx
Classification: Uncertain significance. Last evaluated: 2023-10-09. Review status: criteria provided, single submitter. Criteria: GeneDx Variant Classification Process June 2021. Collection method: clinical testing. Allele origin: germline. Affected: yes.
Comment: Not observed at significant frequency in large population cohorts (gnomAD); In silico analysis supports that this missense variant does not alter protein structure/function; Observed in individuals with breast cancer in published literature (PMID: 28779002); This variant is associated with the following publications: (PMID: 28779002)

Color Diagnostics, LLC DBA Color Health
Classification: Uncertain significance for Hereditary cancer-predisposing syndrome. Last evaluated: 2023-05-23. Review status: criteria provided, single submitter. Criteria: ACMG Guidelines, 2015. Collection method: clinical testing. Allele origin: germline.
Comment: This missense variant replaces glycine with aspartic acid at codon 134 of the ATM protein. Computational prediction suggests that this variant may not impact protein structure and function (internally defined REVEL score threshold <= 0.5, PMID: 27666373). To our knowledge, functional studies have not been reported for this variant. This variant has been reported in individuals affected with breast cancer (PMID: 28779002). This variant has been identified in 2/251290 chromosomes in the general population by the Genome Aggregation Database (gnomAD). The available evidence is insufficient to determine the role of this variant in disease conclusively. Therefore, this variant is classified as a Variant of Uncertain Significance.

Natera, Inc.
Classification: Uncertain significance for Ataxia-telangiectasia. Last evaluated: 2020-09-16. Review status: no assertion criteria provided. Collection method: clinical testing. Allele origin: germline. Not counted in ClinVar's aggregate classification.

Literature cited by the submitters: PubMed 28779002 (cited by 3 submitters).